The following is an entry in ClinVar:

NM_006796.3(AFG3L2):c.589C>T (p.Arg197Ter)

Gene: AFG3L2 (AFG3 like matrix AAA peptidase subunit 2; minus strand). Cytogenetic location: 18p11.21.
Variant type: single nucleotide variant.
Coding change: c.589C>T on transcript NM_006796.3 (MANE Select); coding-DNA position 589, C replaced by T.
Protein change: p.Arg197Ter; replaces arginine 197 with a stop codon.
Molecular consequence: nonsense.
Genome position (GRCh38, 1-based): chr18:12,363,820, G>A on the plus strand (C>T on the coding strand, the complement: AFG3L2 is on the minus strand). VCF-style: chr18-12363820-G-A. GRCh37 (hg19) VCF-style: chr18-12363819-G-A.
Other names: short protein forms R197*.
Identifiers: ClinVar variation 5019952 (VCV005019952.2).

ClinVar aggregate classification (germline): Likely pathogenic (1 of 4 stars; one submission).

Conditions:
Optic atrophy 12. Also called: Optic Atrophy Type 12 (OPA12). Identifiers: MedGen C5436534, MONDO:0033549, OMIM 618977.
Spastic ataxia 5. Also called: Spastic Ataxia Type 5 (SPAX5). Identifiers: Orphanet 313772, MedGen C3280977, MONDO:0013776, OMIM 614487.
Spinocerebellar ataxia type 28 (SCA28). Also called: Spinocerebellar Ataxia Type 28 (SCA28). Identifiers: Orphanet 101109, MedGen C1853249, MONDO:0012450, OMIM 610246.

gnomAD v4.1: 4 of 1,613,260 alleles (0.00025%); highest among the groups gnomAD compares: East Asian, 0.0022%; no homozygotes.

Submission:

Juno Genomics, Hangzhou Juno Genomics, Inc
Classification: Likely pathogenic for Spastic ataxia 5; Spinocerebellar ataxia type 28; Optic atrophy 12. Review status: criteria provided, single submitter. Criteria: ACMG Guidelines, 2015. Collection method: clinical testing. Allele origin: germline.
Comment: Absent from controls (or at extremely low frequency if recessive) in Genome Aggregation Database.;Null variant in a gene where loss of function (LOF) is a known mechanism of disease.